The following is an entry in ClinVar:

NM_001372.4(DNAH9):c.2538G>T (p.Met846Ile)

Gene: DNAH9 (dynein axonemal heavy chain 9; plus strand). Cytogenetic location: 17p12.
Variant type: single nucleotide variant.
Coding change: c.2538G>T on transcript NM_001372.4 (MANE Select); coding-DNA position 2538, G replaced by T.
Protein change: p.Met846Ile; replaces methionine 846 with isoleucine.
Molecular consequence: missense variant.
Genome position (GRCh38, 1-based): chr17:11,652,945, G>T. VCF-style: chr17-11652945-G-T. GRCh37 (hg19) VCF-style: chr17-11556262-G-T.
Other names: short protein forms M846I.
Identifiers: ClinVar variation 1938438 (VCV001938438.5), dbSNP rs2544307266, ClinGen allele CA398177875.
Genomic context (GRCh38, chr17:11,652,945, plus strand): 5'-TAAGACAAAAGATGGAAAAAGGGAATCCCTTCTTTCTCTGGATGATCGGCATGATCGAAT[G>T]GAAAAATATTACAATCTCATCAAGGAATCTGGCCTTAAGATCCACGCCCTTGTTCAGGTA-3'
Protein context (NP_001363.2, residues 836-856): LLSLDDRHDR[Met846Ile]EKYYNLIKES

ClinVar aggregate classification (germline): Uncertain significance (1 of 4 stars; one submission).

Allele frequency attached by ClinVar (database versions not stated): gnomAD exomes below 0.00001.
gnomAD v4.1: 3 of 1,614,020 alleles (0.00019%); highest among the groups gnomAD compares: Non-Finnish European, 0.00025%; no homozygotes.

Submission:

Labcorp Genetics (formerly Invitae), Labcorp
Classification: Uncertain significance. Last evaluated: 2026-01-21. Review status: criteria provided, single submitter. Criteria: Invitae Variant Classification Sherloc (09022015). Collection method: clinical testing. Allele origin: germline.
Comment: This sequence change replaces methionine, which is neutral and non-polar, with isoleucine, which is neutral and non-polar, at codon 846 of the DNAH9 protein (p.Met846Ile). This variant is not present in population databases (gnomAD no frequency). This variant has not been reported in the literature in individuals affected with DNAH9-related conditions. ClinVar contains an entry for this variant (Variation ID: 1938438). Invitae Evidence Modeling of protein sequence and biophysical properties (such as structural, functional, and spatial information, amino acid conservation, physicochemical variation, residue mobility, and thermodynamic stability) indicates that this missense variant is not expected to disrupt DNAH9 protein function with a negative predictive value of 80%. In summary, the available evidence is currently insufficient to determine the role of this variant in disease. Therefore, it has been classified as a Variant of Uncertain Significance.